The following is an entry in ClinVar:

NM_001166108.2(PALLD):c.2032G>T (p.Asp678Tyr)

Gene: PALLD (palladin, cytoskeletal associated protein; plus strand). Cytogenetic location: 4q32.3.
Variant type: single nucleotide variant.
Coding change: c.2032G>T on transcript NM_001166108.2 (MANE Select); coding-DNA position 2032, G replaced by T.
Protein change: p.Asp678Tyr; replaces aspartic acid 678 with tyrosine.
Molecular consequence: missense variant. On other transcripts: 5 prime UTR variant (4).
Genome position (GRCh38, 1-based): chr4:168,890,989, G>T. VCF-style: chr4-168890989-G-T. GRCh37 (hg19) VCF-style: chr4-169812140-G-T.
Other names: c.886G>T, p.Asp296Tyr (NM_001166109.2); c.571G>T, p.Asp191Tyr (NM_001166110.2); c.-90G>T (NM_001367567.1, NM_001367568.1, NM_001367569.1 and 1 more transcripts); c.2032G>T, p.Asp678Tyr (NM_016081.4); short protein forms D191Y, D296Y, D678Y.
Identifiers: ClinVar variation 1784779 (VCV001784779.2), dbSNP rs764564619, ClinGen allele CA3135804.

ClinVar aggregate classification (germline): Uncertain significance (1 of 4 stars; one submission).

Allele frequency attached by ClinVar (database versions not stated): TOPMed below 0.00001.
gnomAD v4.1: 5 of 1,614,034 alleles (0.00031%); highest among the groups gnomAD compares: Non-Finnish European, 0.00042%; no homozygotes.

Submission:

Ambry Genetics
Classification: Uncertain significance. Last evaluated: 2023-09-20. Review status: criteria provided, single submitter. Criteria: Ambry Variant Classification Scheme 2023. Collection method: clinical testing. Allele origin: germline.
Comment: The p.D678Y variant (also known as c.2032G>T), located in coding exon 10 of the PALLD gene, results from a G to T substitution at nucleotide position 2032. The aspartic acid at codon 678 is replaced by tyrosine, an amino acid with highly dissimilar properties. This amino acid position is conserved. In addition, this alteration is predicted to be deleterious by in silico analysis. Since supporting evidence is limited at this time, the clinical significance of this alteration remains unclear.